The following is an entry in ClinVar:

ClinVar aggregate classification (germline): Conflicting classifications of pathogenicity. Review status: criteria provided, conflicting classifications (1 of 4 stars). 3 submissions from 3 submitters: Uncertain significance (1); Likely benign (2). Last evaluated 2025-03-24.

Conditions:
Emery-Dreifuss muscular dystrophy 5, autosomal dominant (EDMD5). Also called: EMERY-DREIFUSS MUSCULAR DYSTROPHY 5. Identifiers: Orphanet 261, MedGen C2751805, MONDO:0013072, OMIM 612999.

Allele frequency attached by ClinVar (database versions not stated): ExAC 0.00002; gnomAD exomes 0.00006; TOPMed 0.00006; gnomAD 0.00009 and 0.00010.
gnomAD v4.1: 176 of 1,613,518 alleles (0.011%); highest among the groups gnomAD compares: Non-Finnish European, 0.014%; no homozygotes.

Submissions (3):

Labcorp Genetics (formerly Invitae), Labcorp
Classification: Uncertain significance for Emery-Dreifuss muscular dystrophy 5, autosomal dominant. Last evaluated: 2025-03-24. Review status: criteria provided, single submitter. Criteria: Invitae Variant Classification Sherloc (09022015). Collection method: clinical testing. Allele origin: germline.
Comment: This sequence change falls in intron 63 of the SYNE2 gene. It does not directly change the encoded amino acid sequence of the SYNE2 protein. It affects a nucleotide within the consensus splice site. This variant is present in population databases (rs781486571, gnomAD 0.01%). This variant has not been reported in the literature in individuals affected with SYNE2-related conditions. ClinVar contains an entry for this variant (Variation ID: 538363). Variants that disrupt the consensus splice site are a relatively common cause of aberrant splicing (PMID: 17576681, 9536098). Algorithms developed to predict the effect of sequence changes on RNA splicing suggest that this variant is not likely to affect RNA splicing. In summary, the available evidence is currently insufficient to determine the role of this variant in disease. Therefore, it has been classified as a Variant of Uncertain Significance.

CeGaT Center for Human Genetics Tuebingen
Classification: Likely benign. Last evaluated: 2024-06-01. Review status: criteria provided, single submitter. Criteria: CeGaT Center For Human Genetics Tuebingen Variant Classification Criteria Version 2. Collection method: clinical testing. Allele origin: germline. Affected: yes. Observed: 1 variant allele.
Comment: SYNE2: BP4

Illumina Laboratory Services, Illumina
Classification: Likely benign for Emery-Dreifuss muscular dystrophy 5, autosomal dominant. Last evaluated: 2018-01-12. Review status: criteria provided, single submitter. Criteria: ICSL Variant Classification Criteria 13 December 2019. Collection method: clinical testing. Allele origin: germline.
Comment: This variant was observed in the ICSL laboratory as part of a predisposition screen in an ostensibly healthy population. It had not been previously curated by ICSL or reported in the Human Gene Mutation Database (HGMD: prior to June 1st, 2018), and was therefore a candidate for classification through an automated scoring system. Utilizing variant allele frequency, disease prevalence and penetrance estimates, and inheritance mode, an automated score was calculated to assess if this variant is too frequent to cause the disease. Based on the score and internal cut-off values, a variant classified as likely benign is not then subjected to further curation. The score for this variant resulted in a classification of likely benign for this disease.

Literature cited by the submitters: PubMed 17576681 (cited by Labcorp Genetics (formerly Invitae), Labcorp); PubMed 9536098 (cited by Labcorp Genetics (formerly Invitae), Labcorp).

NM_182914.3(SYNE2):c.12381+6G>A

Gene: SYNE2 (spectrin repeat containing nuclear envelope protein 2; plus strand). Cytogenetic location: 14q23.2.
Variant type: single nucleotide variant.
Coding change: c.12381+6G>A on transcript NM_182914.3 (MANE Select); 6 bases into the intron after coding-DNA position 12381, G replaced by A.
Molecular consequence: intron variant.
Genome position (GRCh38, 1-based): chr14:64,098,827, G>A. VCF-style: chr14-64098827-G-A. GRCh37 (hg19) VCF-style: chr14-64565545-G-A.
Other names: c.12381+6G>A (NM_015180.6).
Identifiers: ClinVar variation 538363 (VCV000538363.33), dbSNP rs781486571, ClinGen allele CA7222106.